The following is an entry in ClinVar:

NM_001206927.2(DNAH8):c.8411A>G (p.Lys2804Arg)

Gene: DNAH8 (dynein axonemal heavy chain 8; plus strand). Cytogenetic location: 6p21.2.
Variant type: single nucleotide variant.
Coding change: c.8411A>G on transcript NM_001206927.2 (MANE Select); coding-DNA position 8411, A replaced by G.
Protein change: p.Lys2804Arg; replaces lysine 2804 with arginine.
Molecular consequence: missense variant.
Genome position (GRCh38, 1-based): chr6:38,886,942, A>G. VCF-style: chr6-38886942-A-G. GRCh37 (hg19) VCF-style: chr6-38854718-A-G.
Other names: c.7760A>G, p.Lys2587Arg (NM_001371.4); short protein forms K2587R, K2804R.
Identifiers: ClinVar variation 4807839 (VCV004807839.1).

ClinVar aggregate classification (germline): Uncertain significance (1 of 4 stars; one submission).

Conditions:
Primary ciliary dyskinesia. Also called: Ciliary dyskinesia. Identifiers: Orphanet 244, MedGen C0008780, MONDO:0016575, HP:0012265.

Submission:

Labcorp Genetics (formerly Invitae), Labcorp
Classification: Uncertain significance for Primary ciliary dyskinesia. Last evaluated: 2025-04-22. Review status: criteria provided, single submitter. Criteria: Invitae Variant Classification Sherloc (09022015). Collection method: clinical testing. Allele origin: germline.
Comment: This sequence change replaces lysine, which is basic and polar, with arginine, which is basic and polar, at codon 2804 of the DNAH8 protein (p.Lys2804Arg). This variant is not present in population databases (gnomAD no frequency). This variant has not been reported in the literature in individuals affected with DNAH8-related conditions. Invitae Evidence Modeling of protein sequence and biophysical properties (such as structural, functional, and spatial information, amino acid conservation, physicochemical variation, residue mobility, and thermodynamic stability) indicates that this missense variant is expected to disrupt DNAH8 protein function with a positive predictive value of 80%. In summary, the available evidence is currently insufficient to determine the role of this variant in disease. Therefore, it has been classified as a Variant of Uncertain Significance.